The following is an entry in ClinVar:

ClinVar aggregate classification (germline): Likely pathogenic. Review status: criteria provided, multiple submitters, no conflicts (2 of 4 stars). 2 submissions from 2 submitters: Likely pathogenic (2). Last evaluated 2024-08-12.

Conditions:
Hereditary angioedema type 1 (HAE1). Identifiers: Orphanet 100050, Orphanet 100051, Orphanet 91378, MedGen C2717906, MONDO:0015053, OMIM 106100.

Submissions (2):

DNA-diagnostics Laboratory, Research Centre For Medical Genetics
Classification: Likely pathogenic for Hereditary angioedema type 1. Last evaluated: 2024-08-12. Review status: criteria provided, single submitter. Criteria: ACMG Guidelines, 2015. Collection method: research. Allele origin: germline. Inheritance: Autosomal dominant inheritance. Affected: yes. Observed: 1 heterozygote.
Comment: The pathogenic or likely pathogenic SERPING1 gene variants are detected in >90% of the HAE1/2 families and in >80% of the total HAE families (e.g., DOI: 10.1016/j.molimm.2008.05.007, 10.1159/2F000138883, 10.1016/j.molimm.2011.07.010). The c.752T>C (p.Leu251Pro) variant in SERPING1 has been reported in 1 HAE1 patient without HAE history (PMID: 26812872). Additionally, in vitro functional studies indicated that the same variant induces the formation of intracellular foci containing normal C1INH and had a negative impact on the overall complex formation with target protease pKa—both characteristics compatible with dominant-negative cellular disease mechanisms (DOI: 10.1016/j.jaci.2023.04.023). In summary, the c.752T>C variant in SERPING1 meets ACMG/ClinGen SVI guidance criteria to be classified as likely pathogenic: PS3_Mod, PP4_Mod, PM2_Sup, PP2, PP3

GeneDx
Classification: Likely pathogenic. Last evaluated: 2016-06-28. Review status: criteria provided, single submitter. Criteria: GeneDx Variant Classification (06012015). Collection method: clinical testing. Allele origin: germline. Affected: yes.
Comment: The L251P variant in the SERPING1 gene has been reported previously as a pathogenic variant, in a patient with hereditary angioedema (Cagini et al., 2016). The L251P variant was not observed in approximately 6500 individuals of European and African American ancestry in the NHLBI Exome Sequencing Project, indicating it is not a common benign variant in these populations. The L251P variant is a semi-conservative amino acid substitution, which may impact secondary protein structure as these residues differ in some properties. This substitution occurs at a position that is conserved across species. In silico analysis predicts this variant is probably damaging to the protein structure/function. A different missense variant affecting this same codon (L251R), and missense variants in nearby residues (S246R, P248R, S255T) have been reported in the Human Gene Mutation Database in association with hereditary angioedema (Stenson et al., 2014). The L251P variant is a strong candidate for a pathogenic variant

Literature cited by the submitters: PubMed 26812872 (cited by DNA-diagnostics Laboratory, Research Centre For Medical Genetics); DOI 10.1016/j.jaci.2023.04.023 (cited by DNA-diagnostics Laboratory, Research Centre For Medical Genetics).

NM_000062.3(SERPING1):c.752T>C (p.Leu251Pro)

Gene: SERPING1 (serpin family G member 1; plus strand). Cytogenetic location: 11q12.1.
Variant type: single nucleotide variant.
Coding change: c.752T>C on transcript NM_000062.3 (MANE Select); coding-DNA position 752, T replaced by C.
Protein change: p.Leu251Pro; replaces leucine 251 with proline.
Molecular consequence: missense variant.
Genome position (GRCh38, 1-based): chr11:57,606,076, T>C. VCF-style: chr11-57606076-T-C. GRCh37 (hg19) VCF-style: chr11-57373549-T-C.
Other names: c.752T>C, p.Leu251Pro (NM_001032295.2); short protein forms L251P.
Identifiers: ClinVar variation 432141 (VCV000432141.4), dbSNP rs1554995774, ClinGen allele CA380698935.